The following is an entry in ClinVar:

NM_000137.4(FAH):c.192+1G>T

Gene: FAH (fumarylacetoacetate hydrolase; plus strand). Cytogenetic location: 15q25.1.
Variant type: single nucleotide variant.
Coding change: c.192+1G>T on transcript NM_000137.4 (MANE Select); the canonical splice donor site of the intron after coding-DNA position 192, G replaced by T.
Molecular consequence: splice donor variant.
Genome position (GRCh38, 1-based): chr15:80,158,171, G>T. VCF-style: chr15-80158171-G-T. GRCh37 (hg19) VCF-style: chr15-80450513-G-T.
Other names: c.192+1G>T (NM_001374377.1, NM_001374380.1).
Identifiers: ClinVar variation 189085 (VCV000189085.18), dbSNP rs786204683, ClinGen allele CA274360.
Genomic context (GRCh38, chr15:80,158,171, plus strand): 5'-ATCATCAAGCACCTCTTTACTGGTCCTGTCCTCTCCAAACACCAGGATGTCTTCAATCAG[G>T]TAGGACATTGTGAAACGACTTGTCCCTGACCTCAGTGGCACTTACTGTGGATGCCAACAA-3'

ClinVar aggregate classification (germline): Pathogenic/Likely pathogenic. Review status: criteria provided, multiple submitters, no conflicts (2 of 4 stars). 5 submissions from 5 submitters: Pathogenic (2); Likely pathogenic (3). Last evaluated 2025-12-22.

Conditions:
Tyrosinemia type I (TYRSN1). Also called: Tyrosinemia type 1; Fumarylacetoacetase deficiency; Deficiency of fumarylacetoacetase; FAH DEFICIENCY; HEPATORENAL TYROSINEMIA. Identifiers: Orphanet 882, MedGen C0268490, MONDO:0010161, OMIM 276700. Disease mechanism: loss of function.

Allele frequency attached by ClinVar (database versions not stated): TOPMed 0.00001.

Submissions (5):

Labcorp Genetics (formerly Invitae), Labcorp
Classification: Pathogenic for Tyrosinemia type I. Last evaluated: 2025-12-22. Review status: criteria provided, single submitter. Criteria: Invitae Variant Classification Sherloc (09022015). Collection method: clinical testing. Allele origin: germline.
Comment: This sequence change affects a donor splice site in intron 2 of the FAH gene. It is expected to disrupt RNA splicing. Variants that disrupt the donor or acceptor splice site typically lead to a loss of protein function (PMID: 16199547), and loss-of-function variants in FAH are known to be pathogenic (PMID: 9101289, 9633815). This variant is not present in population databases (gnomAD no frequency). Disruption of this splice site has been observed in individual(s) with tyrosinemia type I (PMID: 9633815). ClinVar contains an entry for this variant (Variation ID: 189085). Algorithms developed to predict the effect of sequence changes on RNA splicing suggest that this variant may disrupt the consensus splice site. For these reasons, this variant has been classified as Pathogenic.

Natera, Inc.
Classification: Likely pathogenic for Tyrosinemia type I. Last evaluated: 2025-02-15. Review status: criteria provided, single submitter. Criteria: Natera Variant Classification Schema (03/2026). Collection method: clinical testing. Allele origin: germline.
Comment: The c.192+1G>T variant in FAH is a canonical splice donor site variant predicted to affect pre-mRNA splicing, which may result in an abnormal transcript and altered protein product. This variant is expected to result in nonsense mediated decay, truncation, or a dysfunctional protein product. This variant is rare in the general population with a frequency below the threshold expected for the associated phenotype(s). Given the available evidence, this variant is classified as Likely Pathogenic.

Myriad Genetics, Inc.
Classification: Likely pathogenic for Tyrosinemia type I. Last evaluated: 2021-11-01. Review status: criteria provided, single submitter. Criteria: Myriad Women's Health Autosomal Recessive and X-Linked Classification Criteria (2021). Collection method: clinical testing. Allele origin: unknown.
Comment: NM_000137.2(FAH):c.192+1G>T is a canonical splice variant classified as likely pathogenic in the context of tyrosinemia type I. c.192+1G>T has been observed in cases with relevant disease (PMID: 9633815). Functional assessments of this variant are not available in the literature. Internal structural analysis of the variant is supportive of pathogenicity. c.192+1G>T has not been observed in population frequency databases. In summary, NM_000137.2(FAH):c.192+1G>T is a canonical splice variant that has internal structural support for pathogenicity and has been observed more frequently in cases with the relevant disease than in healthy populations. Please note: this variant was assessed in the context of healthy population screening.

Women's Health and Genetics/Laboratory Corporation of America, LabCorp
Classification: Likely pathogenic for Tyrosinemia type I. Last evaluated: 2020-02-24. Review status: criteria provided, single submitter. Criteria: LabCorp Variant Classification Summary - May 2015. Collection method: clinical testing. Allele origin: germline. Inheritance: Autosomal recessive inheritance.
Comment: Variant summary: FAH c.192+1G>T is located in a canonical splice-site and is predicted to affect mRNA splicing resulting in a significantly altered protein due to either exon skipping, shortening, or inclusion of intronic material. Several computational tools predict a significant impact on normal splicing: Four predict the variant abolishes the canonical 5' splicing donor site. One predict the variant weakens the canonical 5' donor site. However, these predictions have yet to be confirmed by functional studies. The variant was absent in 251492 control chromosomes. c.192+1G>T has been reported as part of a compound heterozygous genotype in the literature in at-least one individual affected with Tyrosinemia Type 1 (example, Bergman_1998). These data do not allow any conclusion about variant significance. To our knowledge, no experimental evidence demonstrating an impact on protein function has been reported. No other clinical diagnostic laboratories have submitted clinical-significance assessments for this variant to ClinVar after 2014. Based on the evidence outlined above, the variant was classified as likely pathogenic.

Baylor Genetics
Classification: Pathogenic for Tyrosinemia type I. Review status: criteria provided, single submitter. Criteria: ACMG Guidelines, 2015. Collection method: clinical testing. Allele origin: germline.

Literature cited by the submitters: PubMed 16199547 (cited by Labcorp Genetics (formerly Invitae), Labcorp); PubMed 9101289 (cited by Labcorp Genetics (formerly Invitae), Labcorp); PubMed 9633815 (cited by 3 submitters); PubMed 25681080 (cited by Women's Health and Genetics/Laboratory Corporation of America, LabCorp).